The following is an entry in ClinVar:

NM_001042681.2(RERE):c.2818C>T (p.Pro940Ser)

Gene: RERE (arginine-glutamic acid dipeptide repeats; minus strand). Cytogenetic location: 1p36.23.
Variant type: single nucleotide variant.
Coding change: c.2818C>T on transcript NM_001042681.2 (MANE Select); coding-DNA position 2818, C replaced by T.
Protein change: p.Pro940Ser; replaces proline 940 with serine.
Molecular consequence: missense variant.
Genome position (GRCh38, 1-based): chr1:8,360,689, G>A on the plus strand (C>T on the coding strand, the complement: RERE is on the minus strand). VCF-style: chr1-8360689-G-A. GRCh37 (hg19) VCF-style: chr1-8420749-G-A.
Other names: c.1156C>T, p.Pro386Ser (NM_001042682.2); c.2818C>T, p.Pro940Ser (NM_012102.4); short protein forms P386S, P940S.
Identifiers: ClinVar variation 2691355 (VCV002691355.1), dbSNP rs2522715458, ClinGen allele CA338171843.
Genomic context (GRCh38, chr1:8,360,689, plus strand): 5'-TCATGGAGAAGGGTGAGGGCCCCGAGAGGTGGGGAGGGTGCTTGTGGGCCTGTGGCGCCG[G>A]CAGCTGGGGGATGGGAGTGGTAGGCGGGGGCTTGATGTGGGGCATGGCCAAGGGCGCTGG-3'
Protein context (NP_001036146.1, residues 930-950): PPPTTPIPQL[Pro940Ser]APQAHKHPPH

ClinVar aggregate classification (germline): Uncertain significance (1 of 4 stars; one submission).

Submission:

Women's Health and Genetics/Laboratory Corporation of America, LabCorp
Classification: Uncertain significance. Last evaluated: 2023-12-20. Review status: criteria provided, single submitter. Criteria: LabCorp Variant Classification Summary - May 2015. Collection method: clinical testing. Allele origin: germline.
Comment: Variant summary: RERE c.2818C>T (p.Pro940Ser) results in a non-conservative amino acid change in the encoded protein sequence. Three of five in-silico tools predict a benign effect of the variant on protein function. The variant was absent in 189636 control chromosomes (gnomAD). The available data on variant occurrences in the general population are insufficient to allow any conclusion about variant significance. To our knowledge, no occurrence of c.2818C>T in individuals affected with Neurodevelopmental Disorder With Or Without Anomalies Of The Brain, Eye, Or Heart and no experimental evidence demonstrating its impact on protein function have been reported. No submitters have cited clinical-significance assessments for this variant to ClinVar after 2014. Based on the evidence outlined above, the variant was classified as uncertain significance.